The following is an entry in ClinVar:

NM_019594.4(LRRC8A):c.1799G>A (p.Arg600His)

Gene: LRRC8A (leucine rich repeat containing 8 VRAC subunit A; plus strand). Cytogenetic location: 9q34.11.
Variant type: single nucleotide variant.
Coding change: c.1799G>A on transcript NM_019594.4 (MANE Select); coding-DNA position 1799, G replaced by A.
Protein change: p.Arg600His; replaces arginine 600 with histidine.
Molecular consequence: missense variant.
Genome position (GRCh38, 1-based): chr9:128,908,963, G>A. VCF-style: chr9-128908963-G-A. GRCh37 (hg19) VCF-style: chr9-131671242-G-A.
Other names: c.1799G>A, p.Arg600His (NM_001127244.2, NM_001127245.2); short protein forms R600H.
Identifiers: ClinVar variation 2884259 (VCV002884259.3), dbSNP rs941064931, ClinGen allele CA375084487.
Genomic context (GRCh38, chr9:128,908,963, plus strand): 5'-AGCTCATCGTCCTCAACAGCCTCAAGAAGATGGCGAACCTGACTGAGCTGGAGCTGATCC[G>A]CTGTGACCTGGAGCGCATCCCCCACTCCATCTTCAGCCTCCACAACCTGCAGGAGATTGA-3'
Protein context (NP_062540.2, residues 590-610): MANLTELELI[Arg600His]CDLERIPHSI

ClinVar aggregate classification (germline): Uncertain significance (1 of 4 stars; one submission).

gnomAD v4.1: 21 of 1,613,978 alleles (0.0013%); highest among the groups gnomAD compares: African/African-American, 0.0067%; no homozygotes.

Submission:

Labcorp Genetics (formerly Invitae), Labcorp
Classification: Uncertain significance. Last evaluated: 2025-04-28. Review status: criteria provided, single submitter. Criteria: Invitae Variant Classification Sherloc (09022015). Collection method: clinical testing. Allele origin: germline.
Comment: This sequence change replaces arginine, which is basic and polar, with histidine, which is basic and polar, at codon 600 of the LRRC8A protein (p.Arg600His). This variant is present in population databases (no rsID available, gnomAD 0.003%). This variant has not been reported in the literature in individuals affected with LRRC8A-related conditions. ClinVar contains an entry for this variant (Variation ID: 2884259). An algorithm developed to predict the effect of missense changes on protein structure and function (PolyPhen-2) suggests that this variant is likely to be disruptive. In summary, the available evidence is currently insufficient to determine the role of this variant in disease. Therefore, it has been classified as a Variant of Uncertain Significance.